The following is an entry in ClinVar:

NM_000277.3(PAH):c.612T>G (p.Tyr204Ter)

Gene: PAH (phenylalanine hydroxylase; minus strand). Cytogenetic location: 12q23.2.
Variant type: single nucleotide variant.
Coding change: c.612T>G on transcript NM_000277.3 (MANE Select); coding-DNA position 612, T replaced by G.
Protein change: p.Tyr204Ter; replaces tyrosine 204 with a stop codon.
Molecular consequence: nonsense.
Genome position (GRCh38, 1-based): chr12:102,855,230, A>C on the plus strand (T>G on the coding strand, the complement: PAH is on the minus strand). VCF-style: chr12-102855230-A-C. GRCh37 (hg19) VCF-style: chr12-103249008-A-C.
Other names: c.612T>G, p.Tyr204Ter (NM_001354304.2); c.612T>G (NM_000277.2); short protein forms Y204*.
Identifiers: ClinVar variation 102758 (VCV000102758.17), dbSNP rs62514928, ClinGen allele CA229654.

ClinVar aggregate classification (germline): Pathogenic. Review status: reviewed by expert panel (3 of 4 stars). 9 submissions from 9 submitters: Pathogenic (1). 8 of the submissions do not count toward it. Last evaluated 2020-05-08.

Conditions:
PAH-related disorder. Also called: PAH-related condition.
Phenylketonuria (PKU). Also called: Phenylketonuria (PKU); FOLLING DISEASE; OLIGOPHRENIA PHENYLPYRUVICA; Phenylketonurias. Identifiers: Orphanet 716, MedGen C0031485, MONDO:0009861, OMIM 261600. Disease mechanism: loss of function.

gnomAD v4.1: 14 of 1,614,156 alleles (0.00087%); highest among the groups gnomAD compares: Non-Finnish European, 0.0012%; no homozygotes.

Submissions (9):

ClinGen PAH Variant Curation Expert Panel
Classification: Pathogenic for Phenylketonuria. Last evaluated: 2020-05-08. Review status: reviewed by expert panel. Criteria: ClinGen PAH ACMG Specifications v1. Collection method: curation. Allele origin: germline. Inheritance: Autosomal recessive inheritance.
Comment: The c.612T>G (p.Tyr204Ter) variant in PAH is a null variant (nonsense variant) in exon 6 of 13 in a gene where LOF is a known mechanism of disease, leading to premature truncation and NMD (PVS1). It is present at extremely low frequency in ethnically diverse control databases, with gnomAD AF 0.00000398 (<0.002, the PAH-specific cutoff) (PM2). It has also been reported Pathogenic by three labs in ClinVar (variation ID 102758). Classification: Pathogenic Supporting criteria: PVS1, PM2; PM3_Strong; PP4_Moderate

Natera, Inc.
Classification: Pathogenic for Phenylketonuria. Last evaluated: 2025-08-05. Review status: criteria provided, single submitter. Criteria: Natera Variant Classification Schema (03/2026). Collection method: clinical testing. Allele origin: germline. Not counted in ClinVar's aggregate classification.
Comment: The c.612T>G variant in PAH is a nonsense variant predicted to introduce a stop codon at amino acid 204. This variant is expected to result in nonsense mediated decay, truncation, or a dysfunctional protein product. This variant is rare in the general population with a frequency below the threshold expected for the associated phenotype(s). This variant has been observed in one or more individuals affected with the associated recessive disease, as either homozygous or compound heterozygous with a second variant (PMID: 23690520). Given the available evidence, this variant is classified as Pathogenic.

Labcorp Genetics (formerly Invitae), Labcorp
Classification: Pathogenic for Phenylketonuria. Last evaluated: 2025-01-23. Review status: criteria provided, single submitter. Criteria: Invitae Variant Classification Sherloc (09022015). Collection method: clinical testing. Allele origin: germline. Not counted in ClinVar's aggregate classification.
Comment: This sequence change creates a premature translational stop signal (p.Tyr204*) in the PAH gene. It is expected to result in an absent or disrupted protein product. Loss-of-function variants in PAH are known to be pathogenic (PMID: 1301187, 9634518). This variant is present in population databases (rs62514928, gnomAD 0.0009%). This premature translational stop signal has been observed in individual(s) with phenylketonuria and hyperphenylalaninemia (PMID: 8268925, 23764561, 27121329, 27264808). ClinVar contains an entry for this variant (Variation ID: 102758). For these reasons, this variant has been classified as Pathogenic.

Baylor Genetics
Classification: Pathogenic for Phenylketonuria. Last evaluated: 2024-03-07. Review status: criteria provided, single submitter. Criteria: ACMG Guidelines, 2015. Collection method: clinical testing. Allele origin: unknown. Not counted in ClinVar's aggregate classification.

Fulgent Genetics
Classification: Pathogenic for Phenylketonuria. Last evaluated: 2021-11-22. Review status: criteria provided, single submitter. Criteria: ACMG Guidelines, 2015. Collection method: clinical testing. Allele origin: unknown. Not counted in ClinVar's aggregate classification.

Women's Health and Genetics/Laboratory Corporation of America, LabCorp
Classification: Pathogenic for Phenylketonuria. Last evaluated: 2019-11-22. Review status: criteria provided, single submitter. Criteria: LabCorp Variant Classification Summary - May 2015. Collection method: clinical testing. Allele origin: germline. Not counted in ClinVar's aggregate classification.
Comment: Variant summary: PAH c.612T>G (p.Tyr204X) results in a premature termination codon, predicted to cause a truncation of the encoded protein or absence of the protein due to nonsense mediated decay, which are commonly known mechanisms for disease. Truncations downstream of this position have been classified as pathogenic by our laboratory. The variant allele was found at a frequency of 4e-06 in 251338 control chromosomes (gnomAD). c.612T>G has been reported in the literature in multiple individuals affected with Phenylalanine Hydroxylase Deficiency (Phenylketonuria)(Aldamiz-Echevarria_2016, Sarkissian_2011). These data indicate that the variant is very likely to be associated with disease. Two ClinVar submissions (evaluation after 2014) cites the variant as pathogenic. Based on the evidence outlined above, the variant was classified as pathogenic.

Blueprint Genetics
Classification: Pathogenic for PAH-related disorders. Last evaluated: 2018-04-04. Review status: criteria provided, single submitter. Criteria: ACMG Guidelines, 2015. Collection method: clinical testing. Allele origin: germline. Affected: yes. Observed: 1 variant allele. Not counted in ClinVar's aggregate classification.

GeneDx
Classification: Pathogenic. Last evaluated: 2016-03-29. Review status: criteria provided, single submitter. Criteria: GeneDx Variant Classification (06012015). Collection method: clinical testing. Allele origin: germline. Affected: yes. Not counted in ClinVar's aggregate classification.
Comment: The Y204X variant in the PAH gene has been reported as a pathogenic variant in the PAH Consortium database. The Y204X nonsense variant is predicted to cause loss of normal protein function either through protein truncation or nonsense-mediated mRNA decay. Patients who are homozygous for Y204X are reported to have classic PKU and are not responsive to BH4 therapy (Guldberg et al., 1993; BIOPKU database). Therefore, we interpret Y204X to be a pathogenic variant.

DeBelle Laboratory for Biochemical Genetics, MUHC/MCH RESEARCH INSTITUTE
No classification provided. Review status: no classification provided. Collection method: not provided. Allele origin: not provided. Not counted in ClinVar's aggregate classification.

Literature cited by the submitters: PubMed 23690520 (cited by ClinGen PAH Variant Curation Expert Panel and Natera, Inc.); PubMed 1301187 (cited by Labcorp Genetics (formerly Invitae), Labcorp); PubMed 9634518 (cited by Labcorp Genetics (formerly Invitae), Labcorp); PubMed 8268925 (cited by Labcorp Genetics (formerly Invitae), Labcorp); PubMed 23764561 (cited by Labcorp Genetics (formerly Invitae), Labcorp); PubMed 27121329 (cited by Labcorp Genetics (formerly Invitae), Labcorp and Women's Health and Genetics/Laboratory Corporation of America, LabCorp); PubMed 27264808 (cited by Labcorp Genetics (formerly Invitae), Labcorp); PubMed 23430918 (cited by Women's Health and Genetics/Laboratory Corporation of America, LabCorp).